The following is an entry in ClinVar:

NM_001256545.2(MEGF10):c.1002C>T (p.His334=)

Gene: MEGF10 (multiple EGF like domains 10; plus strand). Cytogenetic location: 5q23.2.
Variant type: single nucleotide variant.
Coding change: c.1002C>T on transcript NM_001256545.2 (MANE Select); coding-DNA position 1002, C replaced by T.
Protein change: p.His334=; no amino-acid change (histidine 334 retained).
Molecular consequence: synonymous variant.
Genome position (GRCh38, 1-based): chr5:127,410,473, C>T. VCF-style: chr5-127410473-C-T. GRCh37 (hg19) VCF-style: chr5-126746165-C-T.
Other names: c.1002C>T, p.His334= (NM_001308119.2, NM_001308121.2, NM_032446.3).
Identifiers: ClinVar variation 350644 (VCV000350644.22), dbSNP rs142947482, ClinGen allele CA3391453.

ClinVar aggregate classification (germline): Conflicting classifications of pathogenicity. Review status: criteria provided, conflicting classifications (1 of 4 stars). 4 submissions from 4 submitters: Uncertain significance (1); Benign (2); Likely benign (1). Last evaluated 2026-01-24.

Conditions:
MEGF10-related myopathy (CMYO10A). Also called: Congenital myopathy 10A, severe variant. Identifiers: Orphanet 439212, MedGen C3280679, MONDO:0013731, OMIM 614399.

Allele frequency attached by ClinVar (database versions not stated): gnomAD exomes 0.00047; ExAC 0.00054; 1000 Genomes Project 0.00100; 1000 Genomes Project 30x 0.00109; ESP Exome Variant Server 0.00208; gnomAD 0.00234 and 0.00254; TOPMed 0.00270.
gnomAD v4.1: 707 of 1,614,194 alleles (0.044%); highest among the groups gnomAD compares: African/African-American, 0.82%; 4 homozygotes.

Submissions (4):

Labcorp Genetics (formerly Invitae), Labcorp
Classification: Benign for MEGF10-related myopathy. Last evaluated: 2026-01-24. Review status: criteria provided, single submitter. Criteria: Invitae Variant Classification Sherloc (09022015). Collection method: clinical testing. Allele origin: germline.

Illumina Laboratory Services, Illumina
Classification: Uncertain significance for MEGF10-related myopathy. Last evaluated: 2018-01-12. Review status: criteria provided, single submitter. Criteria: ICSL Variant Classification Criteria 13 December 2019. Collection method: clinical testing. Allele origin: germline.

GeneDx
Classification: Likely benign. Last evaluated: 2017-10-27. Review status: criteria provided, single submitter. Criteria: GeneDx Variant Classification (06012015). Collection method: clinical testing. Allele origin: germline. Affected: yes.
Comment: This variant is considered likely benign or benign based on one or more of the following criteria: it is a conservative change, it occurs at a poorly conserved position in the protein, it is predicted to be benign by multiple in silico algorithms, and/or has population frequency not consistent with disease.

Athena Diagnostics
Classification: Benign. Last evaluated: 2017-05-25. Review status: criteria provided, single submitter. Criteria: Athena Diagnostics Criteria. Collection method: clinical testing. Allele origin: germline.